The following is an entry in ClinVar:

ClinVar aggregate classification (germline): Benign. Review status: criteria provided, multiple submitters, no conflicts (2 of 4 stars). 2 submissions from 2 submitters: Benign (2). Last evaluated 2018-06-19.

Allele frequency attached by ClinVar (database versions not stated): 1000 Genomes Project 30x 0.10989; 1000 Genomes Project 0.11285; TOPMed 0.12500; gnomAD 0.12710 and 0.12772.
gnomAD v4.1: 14,245 of 111,334 alleles (13%); highest among the groups gnomAD compares: Middle Eastern, 22%; 763 homozygotes.

Submissions (2):

GeneDx
Classification: Benign. Last evaluated: 2018-06-19. Review status: criteria provided, single submitter. Criteria: GeneDx Variant Classification (06012015). Collection method: clinical testing. Allele origin: germline. Affected: yes.
Comment: This variant is considered likely benign or benign based on one or more of the following criteria: it is a conservative change, it occurs at a poorly conserved position in the protein, it is predicted to be benign by multiple in silico algorithms, and/or has population frequency not consistent with disease.

Breakthrough Genomics
Classification: Benign. Review status: criteria provided, single submitter. Criteria: ACMG Guidelines, 2015. Collection method: not provided. Allele origin: germline. Inheritance: X-linked inheritance. Affected: yes.

NM_004006.3(DMD):c.7543-156C>G

Gene: DMD (dystrophin; minus strand). Cytogenetic location: Xp21.1.
Variant type: single nucleotide variant.
Coding change: c.7543-156C>G on transcript NM_004006.3 (MANE Select); 156 bases into the intron before coding-DNA position 7543, C replaced by G.
Molecular consequence: intron variant.
Genome position (GRCh38, 1-based): chrX:31,729,904, G>C on the plus strand (C>G on the coding strand, the complement: DMD is on the minus strand). VCF-style: chrX-31729904-G-C. GRCh37 (hg19) VCF-style: chrX-31748021-G-C.
Other names: c.7519-156C>G (NM_000109.4); c.3520-156C>G (NM_004011.4); c.3511-156C>G (NM_004012.4); c.163-156C>G (NM_004023.3, NM_004020.4, NM_004022.3 and 2 more transcripts); c.7531-156C>G (NM_004009.3); c.7174-156C>G (NM_004010.3).
Identifiers: ClinVar variation 673846 (VCV000673846.2), dbSNP rs5927823, ClinGen allele CA328466945.